The following is an entry in ClinVar:

ClinVar aggregate classification (germline): Likely pathogenic (1 of 4 stars; one submission).

Submission:

GeneDx
Classification: Likely pathogenic. Last evaluated: 2024-04-23. Review status: criteria provided, single submitter. Criteria: GeneDx Variant Classification Process June 2021. Collection method: clinical testing. Allele origin: germline. Affected: yes.
Comment: Nonsense variant predicted to result in protein truncation or nonsense mediated decay in a gene for which loss of function is a known mechanism of disease; Not observed in large population cohorts (gnomAD); Has not been previously published as pathogenic or benign to our knowledge

NM_001164508.2(NEB):c.520C>T (p.Gln174Ter)

Gene: NEB (nebulin; minus strand). Cytogenetic location: 2q23.3.
Variant type: single nucleotide variant.
Coding change: c.520C>T on transcript NM_001164508.2 (MANE Select); coding-DNA position 520, C replaced by T.
Protein change: p.Gln174Ter; replaces glutamine 174 with a stop codon.
Molecular consequence: nonsense.
Genome position (GRCh38, 1-based): chr2:151,724,352, G>A on the plus strand (C>T on the coding strand, the complement: NEB is on the minus strand). VCF-style: chr2-151724352-G-A. GRCh37 (hg19) VCF-style: chr2-152580866-G-A.
Other names: c.520C>T, p.Gln174Ter (NM_001164507.2, NM_001271208.2, NM_004543.5); short protein forms Q174*.
Identifiers: ClinVar variation 1193977 (VCV001193977.3), dbSNP rs2150732849, ClinGen allele CA348792338.
Genomic context (GRCh38, chr2:151,724,352, plus strand): 5'-GGACAAGTTCAGGGGCATCAGGAGGAAGCAGGTACTTATCCTTGGTGTCTTCCCAGTTCT[G>A]CTTGTATAAAACCTAGACAGAAGGAGCAGAGGATCTGTGGCTTGAGGTCTCACCCAAAGG-3'